The following is an entry in ClinVar:

NM_001323289.2(CDKL5):c.554+1G>A

Gene: CDKL5 (cyclin dependent kinase like 5; plus strand). Cytogenetic location: Xp22.13.
Variant type: single nucleotide variant.
Coding change: c.554+1G>A on transcript NM_001323289.2 (MANE Select); the canonical splice donor site of the intron after coding-DNA position 554, G replaced by A.
Molecular consequence: splice donor variant.
Genome position (GRCh38, 1-based): chrX:18,584,354, G>A. VCF-style: chrX-18584354-G-A. GRCh37 (hg19) VCF-style: chrX-18602474-G-A.
Other names: c.554+1G>A (NM_003159.3, NM_001037343.2).
Identifiers: ClinVar variation 488478 (VCV000488478.8), dbSNP rs1555950083, ClinGen allele CA412352585.

ClinVar aggregate classification (germline): Pathogenic/Likely pathogenic. Review status: criteria provided, multiple submitters, no conflicts (2 of 4 stars). 4 submissions from 4 submitters: Pathogenic (3); Likely pathogenic (1). Last evaluated 2025-01-08.

Conditions:
CDKL5 disorder. Identifiers: MedGen CN296942, MONDO:0100039.
Developmental and epileptic encephalopathy, 2 (DEE2). Also called: INFANTILE SPASM SYNDROME, X-LINKED 2; CDKL5 deficiency disorder. Identifiers: Orphanet 1934, Orphanet 3451, Orphanet 505652, MedGen C4750718, MONDO:0010396, OMIM 300672.

Submissions (4):

Centre for Population Genomics, CPG
Classification: Pathogenic for CDKL5 disorder. Last evaluated: 2025-01-08. Review status: criteria provided, single submitter. Criteria: McKnight et al. (Hum Mutat. 2022). Collection method: curation. Allele origin: germline. Inheritance: X-linked inheritance.
Comment: Based on the classification scheme defined by the ClinGen Rett/Angelman-like Expert Panel for Rett/AS-like Disorders Specifications to the ACMG/AMP Variant Interpretation Guidelines VCEP 3.0, this variant is classified as pathogenic. At least the following criteria are met:Predicted to result in loss of function, and LOF is a known mechanism of disease (PVS1).This variant is absent from gnomAD (PM2_Supporting).Has been observed in at least 2 individuals with phenotypes consistent with CDKL5 disorder (PS4_Supporting) (PMID: 37193389) (ClinVar ID 488478)

Laboratory of Inherited Metabolic Diseases, Research centre for medical genetics
Classification: Pathogenic for Developmental and epileptic encephalopathy, 2. Last evaluated: 2020-02-14. Review status: criteria provided, single submitter. Criteria: ACMG Guidelines, 2015. Collection method: clinical testing. Allele origin: de novo. Inheritance: X-linked inheritance. Affected: yes.

Institute of Human Genetics Munich, TUM University Hospital
Classification: Likely pathogenic for Developmental and epileptic encephalopathy, 2. Last evaluated: 2017-09-08. Review status: criteria provided, single submitter. Criteria: Classification criteria August 2017. Collection method: clinical testing. Allele origin: de novo. Inheritance: X-linked inheritance. Affected: yes. Observed: 1 heterozygote.

Eurofins Ntd Llc (ga)
Classification: Pathogenic. Last evaluated: 2017-05-01. Review status: criteria provided, single submitter. Criteria: EGL Classification Definitions 2015. Collection method: clinical testing. Allele origin: germline. Observed: 1 variant allele, 1 heterozygote.